The following is an entry in ClinVar:

ClinVar aggregate classification (germline): Conflicting classifications of pathogenicity. Review status: criteria provided, conflicting classifications (1 of 4 stars). 5 submissions from 3 submitters: Pathogenic (1); Uncertain significance (4). Last evaluated 2023-04-11.

Conditions:
Pigmented paravenous retinochoroidal atrophy. Identifiers: Orphanet 251295, MedGen C1868310, MONDO:0008246, OMIM 172870.
Leber congenital amaurosis 8 (LCA8). Identifiers: Orphanet 65, MedGen C3151202, MONDO:0013453, OMIM 613835.
Retinitis pigmentosa 12 (RP12). Also called: RP WITH OR WITHOUT PPRPE; RP WITH OR WITHOUT PRESERVED PARAARTERIOLE RETINAL PIGMENT EPITHELIUM; RETINITIS PIGMENTOSA WITH OR WITHOUT PARAARTERIOLAR PRESERVATION OF RETINAL PIGMENT EPITHELIUM. Identifiers: Orphanet 791, MedGen C1838647, MONDO:0010818, OMIM 600105.
CRB1-related disorder. Also called: CRB1-related disorders; CRB1-related condition.

Allele frequency attached by ClinVar (database versions not stated): TOPMed below 0.00001; gnomAD 0.00001.
gnomAD v4.1: 1 of 1,613,958 alleles (0.000062%); highest among the groups gnomAD compares: African/African-American, 0.0013%; no homozygotes.

Submissions (5):

Genome-Nilou Lab
Classification: Uncertain significance for Leber congenital amaurosis 8. Last evaluated: 2023-04-11. Review status: criteria provided, single submitter. Criteria: ACMG Guidelines, 2015. Collection method: clinical testing. Allele origin: germline. Affected: no.

Genome-Nilou Lab
Classification: Uncertain significance for Pigmented paravenous retinochoroidal atrophy. Last evaluated: 2023-04-11. Review status: criteria provided, single submitter. Criteria: ACMG Guidelines, 2015. Collection method: clinical testing. Allele origin: germline. Affected: no.

Genome-Nilou Lab
Classification: Uncertain significance for Retinitis pigmentosa 12. Last evaluated: 2023-04-11. Review status: criteria provided, single submitter. Criteria: ACMG Guidelines, 2015. Collection method: clinical testing. Allele origin: germline. Affected: no.

Blueprint Genetics
Classification: Pathogenic for CRB1-related disorders. Last evaluated: 2022-04-18. Review status: criteria provided, single submitter. Criteria: ACMG Guidelines, 2015. Collection method: clinical testing. Allele origin: germline. Affected: yes. Observed: 4 variant alleles.

Labcorp Genetics (formerly Invitae), Labcorp
Classification: Uncertain significance for Leber congenital amaurosis 8; Retinitis pigmentosa 12. Last evaluated: 2022-02-02. Review status: criteria provided, single submitter. Criteria: Invitae Variant Classification Sherloc (09022015). Collection method: clinical testing. Allele origin: germline.
Comment: This sequence change replaces cysteine, which is neutral and slightly polar, with serine, which is neutral and polar, at codon 305 of the CRB1 protein (p.Cys305Ser). This variant is not present in population databases (gnomAD no frequency). This variant has not been reported in the literature in individuals affected with CRB1-related conditions. ClinVar contains an entry for this variant (Variation ID: 866628). Advanced modeling of protein sequence and biophysical properties (such as structural, functional, and spatial information, amino acid conservation, physicochemical variation, residue mobility, and thermodynamic stability) performed at Invitae indicates that this missense variant is expected to disrupt CRB1 protein function. In summary, the available evidence is currently insufficient to determine the role of this variant in disease. Therefore, it has been classified as a Variant of Uncertain Significance.

NM_201253.3(CRB1):c.914G>C (p.Cys305Ser)

Gene: CRB1 (crumbs cell polarity complex component 1; plus strand). Cytogenetic location: 1q31.3.
Variant type: single nucleotide variant.
Coding change: c.914G>C on transcript NM_201253.3 (MANE Select); coding-DNA position 914, G replaced by C.
Protein change: p.Cys305Ser; replaces cysteine 305 with serine.
Molecular consequence: missense variant. On other transcripts: non-coding transcript variant (2), intron variant (1).
Genome position (GRCh38, 1-based): chr1:197,347,405, G>C. VCF-style: chr1-197347405-G-C. GRCh37 (hg19) VCF-style: chr1-197316535-G-C.
Other names: c.707G>C, p.Cys236Ser (NM_001257965.2); c.914G>C, p.Cys305Ser (NM_001257966.2); c.653-9426G>C (NM_001193640.2); short protein forms C305S, C236S.
Identifiers: ClinVar variation 866628 (VCV000866628.10), dbSNP rs911156007, ClinGen allele CA36048740.
Genomic context (GRCh38, chr1:197,347,405, plus strand): 5'-GCTGTAACTGCACGGGTAGTGGATTCACAGGGACACACTGTGAGACCTTGATGCCTCTTT[G>C]TTGGTCAAAACCTTGTCACAATAATGCTACATGTGAGGACAGTGTTGACAATTACACTTG-3'
Protein context (NP_957705.1, residues 295-315): GTHCETLMPL[Cys305Ser]WSKPCHNNAT